The following is an entry in ClinVar:

ClinVar aggregate classification (germline): Uncertain significance (1 of 4 stars; one submission).

gnomAD v4.1: 17 of 1,206,549 alleles (0.0014%); highest among the groups gnomAD compares: Non-Finnish European, 0.0017%; no homozygotes.

Submission:

Ambry Genetics
Classification: Uncertain significance. Last evaluated: 2025-12-22. Review status: criteria provided, single submitter. Criteria: Ambry Variant Classification Scheme 2023. Collection method: clinical testing. Allele origin: germline.
Comment: The c.710A>G (p.E237G) alteration is located in exon 1 (coding exon 1) of the FAM47C gene. This alteration results from a A to G substitution at nucleotide position 710, causing the glutamic acid (E) at amino acid position 237 to be replaced by a glycine (G). Based on data from gnomAD, the G allele has an overall frequency of 0.005% (1/20593) total alleles studied. The highest observed frequency was 0.01% (1/10057) of European (non-Finnish) alleles. Based on insufficient or conflicting evidence, the clinical significance of this alteration remains unclear.

NM_001013736.3(FAM47C):c.710A>G (p.Glu237Gly)

Gene: FAM47C (family with sequence similarity 47 member C; plus strand). Cytogenetic location: Xp21.1.
Variant type: single nucleotide variant.
Coding change: c.710A>G on transcript NM_001013736.3 (MANE Select); coding-DNA position 710, A replaced by G.
Protein change: p.Glu237Gly; replaces glutamic acid 237 with glycine.
Molecular consequence: missense variant.
Genome position (GRCh38, 1-based): chrX:37,009,120, A>G. VCF-style: chrX-37009120-A-G. GRCh37 (hg19) VCF-style: chrX-37027193-A-G.
Other names: short protein forms E237G.
Identifiers: ClinVar variation 4838217 (VCV004838217.1).